The following is an entry in ClinVar:

NM_015178.3(RHOBTB2):c.1619A>C (p.Glu540Ala)

Gene: RHOBTB2 (Rho related BTB domain containing 2; plus strand). Cytogenetic location: 8p21.3.
Variant type: single nucleotide variant.
Coding change: c.1619A>C on transcript NM_015178.3 (MANE Select); coding-DNA position 1619, A replaced by C.
Protein change: p.Glu540Ala; replaces glutamic acid 540 with alanine.
Molecular consequence: missense variant.
Genome position (GRCh38, 1-based): chr8:23,008,110, A>C. VCF-style: chr8-23008110-A-C. GRCh37 (hg19) VCF-style: chr8-22865623-A-C.
Other names: c.1685A>C, p.Glu562Ala (NM_001160036.2); c.1640A>C, p.Glu547Ala (NM_001160037.2); c.1619A>C, p.Glu540Ala (NM_001374791.1); c.1685A>C (NM_001160036.1); short protein forms E540A, E562A, E547A.
Identifiers: ClinVar variation 1517544 (VCV001517544.7), dbSNP rs1456975037, ClinGen allele CA370570673.
Genomic context (GRCh38, chr8:23,008,110, plus strand): 5'-CCAGCTGTGACTGGATGGCTGCCATGTTTGGGGGGCCATTTGTGGAGAGCTCCACCCGGG[A>C]GGTAAGGCTGAGGACACAAAGGGGGGAAGGAGGGAGTGAGACATTTGCACCCTTTACATC-3'
Protein context (NP_055993.2, residues 530-550): GGPFVESSTR[Glu540Ala]VVFPYTSKSC

ClinVar aggregate classification (germline): Uncertain significance. Review status: criteria provided, multiple submitters, no conflicts (2 of 4 stars). 2 submissions from 2 submitters: Uncertain significance (2). Last evaluated 2025-06-22.

Conditions:
Inborn genetic diseases. Identifiers: MedGen C0950123, MeSH D030342.

Allele frequency attached by ClinVar (database versions not stated): gnomAD 0.00001; TOPMed 0.00002.
gnomAD v4.1: 1 of 1,604,258 alleles (0.000062%); highest among the groups gnomAD compares: African/African-American, 0.0013%; no homozygotes.

Submissions (2):

Labcorp Genetics (formerly Invitae), Labcorp
Classification: Uncertain significance. Last evaluated: 2025-06-22. Review status: criteria provided, single submitter. Criteria: Invitae Variant Classification Sherloc (09022015). Collection method: clinical testing. Allele origin: germline.
Comment: This sequence change replaces glutamic acid, which is acidic and polar, with alanine, which is neutral and non-polar, at codon 562 of the RHOBTB2 protein (p.Glu562Ala). This variant is present in population databases (no rsID available, gnomAD 0.01%). This variant has not been reported in the literature in individuals affected with RHOBTB2-related conditions. ClinVar contains an entry for this variant (Variation ID: 1517544). An algorithm developed to predict the effect of missense changes on protein structure and function (PolyPhen-2) suggests that this variant is likely to be tolerated. In summary, the available evidence is currently insufficient to determine the role of this variant in disease. Therefore, it has been classified as a Variant of Uncertain Significance.

Ambry Genetics
Classification: Uncertain significance for Inborn genetic diseases. Last evaluated: 2025-02-10. Review status: criteria provided, single submitter. Criteria: Ambry Variant Classification Scheme 2023. Collection method: clinical testing. Allele origin: germline.